The following is an entry in ClinVar:

NM_033056.4(PCDH15):c.4596_4599dup (p.Ser1534fs)

Gene: PCDH15 (protocadherin related 15; minus strand). Cytogenetic location: 10q21.1.
Variant type: Duplication.
Coding change: c.4596_4599dup on transcript NM_033056.4 (MANE Plus Clinical); coding-DNA positions 4596 to 4599, 4 bases duplicated (CATA; older notation c.4596_4599dupCATA).
Protein change: p.Ser1534fs; shifts the reading frame from serine 1534.
Molecular consequence: frameshift variant. On other transcripts: intron variant (8).
Genome position (GRCh38, 1-based): chr10:53,823,127-53,823,130, TATG duplicated on the plus strand (CATA on the coding strand, the reverse complement: PCDH15 is on the minus strand); duplicating any 4 consecutive bases within chr10:53,823,127-53,823,131 gives the same sequence; the c. name uses the placement nearest the transcript's 3' end. VCF-style (leftmost placement, unchanged base first): chr10-53823126-T-TTATG. GRCh37 (hg19) VCF-style: chr10-55582886-T-TTATG.
Other names: c.4617_4620dup, p.Ser1541fs (NM_001142763.2); c.4602_4605dup, p.Ser1536fs (NM_001142764.2); c.4389_4392dup, p.Ser1465fs (NM_001142765.2); c.4587_4590dup, p.Ser1531fs (NM_001142766.2); c.4476_4479dup, p.Ser1494fs (NM_001142767.2); c.4536_4539dup, p.Ser1514fs (NM_001142768.2); c.4527_4530dup, p.Ser1511fs (NM_001142773.2); c.4530_4533dup, p.Ser1512fs (NM_001354404.2); and 6 more; short protein forms S1534fs, S1536fs, S1541fs, S1531fs, S1465fs, S1512fs, S1494fs, S1511fs.
Identifiers: ClinVar variation 2765232 (VCV002765232.3), dbSNP rs2492407812, ClinGen allele CA2697558364.
Genomic context (GRCh38, chr10:53,823,126, plus strand): 5'-GTGAAAATGGGTCTACAAAATCTGTTCTCTGTGAAATGTCTGAATTTGTTGATACTTGAC[T>TTATG]TATGTTTTCCTTATAAAGGGGATTATGGGCACTTAAGTCATCCTCATCAGATAGAAATGT-3'

ClinVar aggregate classification (germline): Pathogenic (1 of 4 stars; one submission).

Submission:

Labcorp Genetics (formerly Invitae), Labcorp
Classification: Pathogenic. Last evaluated: 2023-10-04. Review status: criteria provided, single submitter. Criteria: Invitae Variant Classification Sherloc (09022015). Collection method: clinical testing. Allele origin: germline.
Comment: This sequence change creates a premature translational stop signal (p.Ser1534Hisfs*29) in the PCDH15 gene. While this is not anticipated to result in nonsense mediated decay, it is expected to disrupt the last 422 amino acid(s) of the PCDH15 protein. This variant is not present in population databases (gnomAD no frequency). This variant has not been reported in the literature in individuals affected with PCDH15-related conditions. This variant disrupts a region of the PCDH15 protein in which other variant(s) (p.Q1576*) have been determined to be pathogenic (PMID: 28281779). This suggests that this is a clinically significant region of the protein, and that variants that disrupt it are likely to be disease-causing. For these reasons, this variant has been classified as Pathogenic.

Literature cited by the submitters: PubMed 28281779.